The following is an entry in ClinVar:

NM_001048174.2(MUTYH):c.715C>G (p.Gln239Glu)

Gene: MUTYH (mutY DNA glycosylase; minus strand). Cytogenetic location: 1p34.1.
Variant type: single nucleotide variant.
Coding change: c.715C>G on transcript NM_001048174.2 (MANE Select); coding-DNA position 715, C replaced by G.
Protein change: p.Gln239Glu; replaces glutamine 239 with glutamic acid.
Molecular consequence: missense variant. On other transcripts: non-coding transcript variant (7).
Genome position (GRCh38, 1-based): chr1:45,332,300, G>C on the plus strand (C>G on the coding strand, the complement: MUTYH is on the minus strand). VCF-style: chr1-45332300-G-C. GRCh37 (hg19) VCF-style: chr1-45797972-G-C.
Other names: c.439C>G, p.Gln147Glu (NM_001293196.2, NM_001407091.1, NM_001293192.2); c.370C>G, p.Gln124Glu (NM_001350650.2, NM_001350651.2, NM_001407082.1); c.748C>G, p.Gln250Glu (NM_001407069.1, NM_001293191.2, NM_001407077.1); c.718C>G, p.Gln240Glu (NM_001407071.1, NM_001048172.2, NM_001407078.1 and 1 more transcripts); c.715C>G, p.Gln239Glu (NM_001407070.1, NM_001407072.1, NM_001407073.1 and 6 more transcripts); c.631C>G, p.Gln211Glu (NM_001407075.1); c.790C>G, p.Gln264Glu (NM_012222.3); c.799C>G, p.Gln267Glu (NM_001128425.2); and 5 more; short protein forms Q239E, Q240E, Q250E, Q253E, Q264E, Q147E, Q267E, Q124E.
Identifiers: ClinVar variation 4113847 (VCV004113847.1).
Genomic context (GRCh38, chr1:45,332,300, plus strand): 5'-CCCCTAGCTCCATGGCTGCTTGGTTGAAATCTCCTGGCCGGGCTGGGTCCACCAGCTGCT[G>C]GGCTAGACCCCTAAAAGAAGGGAACACTGCTGTGAAGCAGAGCTCCTTTGCAGACACCCC-3'
Protein context (NP_001041639.1, residues 229-249): LVSQQLWGLA[Gln239Glu]QLVDPARPGD

ClinVar aggregate classification (germline): Uncertain significance (1 of 4 stars; one submission).

Conditions:
Hereditary cancer-predisposing syndrome. Also called: Hereditary neoplastic syndrome; Neoplastic Syndromes, Hereditary; Tumor predisposition; Hereditary Cancer Syndrome. Identifiers: Orphanet 140162, MedGen C0027672, MeSH D009386, MONDO:0015356.

Submission:

Ambry Genetics
Classification: Uncertain significance for Hereditary cancer-predisposing syndrome. Last evaluated: 2025-08-27. Review status: criteria provided, single submitter. Criteria: Ambry Variant Classification Scheme 2023. Collection method: clinical testing. Allele origin: germline.
Comment: The p.Q267E variant (also known as c.799C>G), located in coding exon 10 of the MUTYH gene, results from a C to G substitution at nucleotide position 799. The glutamine at codon 267 is replaced by glutamic acid, an amino acid with highly similar properties. This amino acid position is conserved. In addition, this alteration is predicted to be tolerated by in silico analysis. Based on the available evidence, the clinical significance of this variant remains unclear.